The following is an entry in ClinVar:

NM_030665.4(RAI1):c.2331T>A (p.Asp777Glu)

Gene: RAI1 (retinoic acid induced 1; plus strand). Cytogenetic location: 17p11.2.
Variant type: single nucleotide variant.
Coding change: c.2331T>A on transcript NM_030665.4 (MANE Select); coding-DNA position 2331, T replaced by A.
Protein change: p.Asp777Glu; replaces aspartic acid 777 with glutamic acid.
Molecular consequence: missense variant.
Genome position (GRCh38, 1-based): chr17:17,795,279, T>A. VCF-style: chr17-17795279-T-A. GRCh37 (hg19) VCF-style: chr17-17698593-T-A.
Other names: short protein forms D777E.
Identifiers: ClinVar variation 2050342 (VCV002050342.4), dbSNP rs2508580837, ClinGen allele CA398550719.
Genomic context (GRCh38, chr17:17,795,279, plus strand): 5'-GTGGGGATTGCACCCTGGCGAGCTTACCAAGGGCCTGGAGCAGGGTGGGAAGGCCTCAGA[T>A]GGCATCAGCAAAGGGGACACCCATGAGGCTTCGGCCTGCCTGGGCTTCCAGGAGGAGGAC-3'
Protein context (NP_109590.3, residues 767-787): KGLEQGGKAS[Asp777Glu]GISKGDTHEA

ClinVar aggregate classification (germline): Uncertain significance (1 of 4 stars; one submission).

Submission:

Labcorp Genetics (formerly Invitae), Labcorp
Classification: Uncertain significance. Last evaluated: 2024-10-22. Review status: criteria provided, single submitter. Criteria: Invitae Variant Classification Sherloc (09022015). Collection method: clinical testing. Allele origin: germline.
Comment: This sequence change replaces aspartic acid, which is acidic and polar, with glutamic acid, which is acidic and polar, at codon 777 of the RAI1 protein (p.Asp777Glu). This variant is not present in population databases (gnomAD no frequency). This variant has not been reported in the literature in individuals affected with RAI1-related conditions. ClinVar contains an entry for this variant (Variation ID: 2050342). Invitae Evidence Modeling of protein sequence and biophysical properties (such as structural, functional, and spatial information, amino acid conservation, physicochemical variation, residue mobility, and thermodynamic stability) indicates that this missense variant is not expected to disrupt RAI1 protein function with a negative predictive value of 80%. In summary, the available evidence is currently insufficient to determine the role of this variant in disease. Therefore, it has been classified as a Variant of Uncertain Significance.